The following is an entry in ClinVar:

NM_004184.4(WARS1):c.413T>A (p.Phe138Tyr)

Gene: WARS1 (tryptophanyl-tRNA synthetase 1; minus strand). Cytogenetic location: 14q32.2.
Variant type: single nucleotide variant.
Coding change: c.413T>A on transcript NM_004184.4 (MANE Select); coding-DNA position 413, T replaced by A.
Protein change: p.Phe138Tyr; replaces phenylalanine 138 with tyrosine.
Molecular consequence: missense variant.
Genome position (GRCh38, 1-based): chr14:100,360,563, A>T on the plus strand (T>A on the coding strand, the complement: WARS1 is on the minus strand). VCF-style: chr14-100360563-A-T. GRCh37 (hg19) VCF-style: chr14-100826900-A-T.
Other names: c.413T>A, p.Phe138Tyr (NM_173701.2); c.290T>A, p.Phe97Tyr (NM_213645.2, NM_213646.2); short protein forms F138Y, F97Y.
Identifiers: ClinVar variation 932924 (VCV000932924.2), dbSNP rs1895599490, ClinGen allele CA390983021.
Genomic context (GRCh38, chr14:100,360,563, plus strand): 5'-GAACTAAAAGAAGAGGACAGGTGAGAAGGCCTGTGGTGAAGAGCCCCTGACCTGTGTGAG[A>T]AGAAGATGCCTCTGCGCAGGAAGTGGTGTGGTCTTTGGCCGGTGGCTCTCTCTATTCGGT-3'
Protein context (NP_004175.2, residues 128-148): PHHFLRRGIF[Phe138Tyr]SHRDMNQVLD

ClinVar aggregate classification (germline): no classifications from unflagged records (0 of 4 stars; one submission).

Conditions:
Neuronopathy, distal hereditary motor, type 9. Also called: NEURONOPATHY, DISTAL HEREDITARY MOTOR, TYPE IX; NEUROPATHY, DISTAL HEREDITARY MOTOR, TYPE IX; NEURONOPATHY, DISTAL HEREDITARY MOTOR, AUTOSOMAL DOMINANT 9. Identifiers: MedGen C4540265, MONDO:0060585, OMIM 617721.

Submission:

OMIM
Classification: Pathogenic for NEURONOPATHY, DISTAL HEREDITARY MOTOR, AUTOSOMAL DOMINANT 9. Last evaluated: 2023-10-17. Review status: flagged submission. Collection method: literature only. Allele origin: germline.
ClinVar note: Notes: Flagging candidate with reason of insufficient supporting evidence. This gene has been classified as having a limited gene-disease relationship by a ClinGen Expert Panel.
ClinVar note: Reason: Other

Literature cited by the submitters: PubMed 31321409.